The following is an entry in ClinVar:

NM_005337.5(NCKAP1L):c.2026A>G (p.Met676Val)

Gene: NCKAP1L (NCK associated protein 1 like; plus strand). Cytogenetic location: 12q13.2.
Variant type: single nucleotide variant.
Coding change: c.2026A>G on transcript NM_005337.5 (MANE Select); coding-DNA position 2026, A replaced by G.
Protein change: p.Met676Val; replaces methionine 676 with valine.
Molecular consequence: missense variant.
Genome position (GRCh38, 1-based): chr12:54,523,826, A>G. VCF-style: chr12-54523826-A-G. GRCh37 (hg19) VCF-style: chr12-54917610-A-G.
Other names: c.1876A>G, p.Met626Val (NM_001184976.2); c.2026A>G (NM_005337.4); short protein forms M626V, M676V.
Identifiers: ClinVar variation 2121885 (VCV002121885.2), dbSNP rs371508749, ClinGen allele CA6609334.
Genomic context (GRCh38, chr12:54,523,826, plus strand): 5'-CTTCCTAGACATTAGCAGGCAGTGCCAGACCTGTAATCCAGGCTCATTTTCCTTTCTAGC[A>G]TGGACAAGCTACACCTAAACTTGACAGAACTGGCACTGACAATGAATCATGTATACAGTT-3'
Protein context (NP_005328.2, residues 666-686): HRKNRSIVTN[Met676Val]DKLHLNLTEL

ClinVar aggregate classification (germline): Uncertain significance. Review status: criteria provided, multiple submitters, no conflicts (2 of 4 stars). 2 submissions from 2 submitters: Uncertain significance (2). Last evaluated 2024-12-10.

Allele frequency attached by ClinVar (database versions not stated): gnomAD exomes 0.00002; ExAC 0.00003; gnomAD 0.00022; TOPMed 0.00024; ESP Exome Variant Server 0.00031.
gnomAD v4.1: 72 of 1,613,250 alleles (0.0045%); highest among the groups gnomAD compares: African/African-American, 0.059%; no homozygotes.

Submissions (2):

Ambry Genetics
Classification: Uncertain significance. Last evaluated: 2024-12-10. Review status: criteria provided, single submitter. Criteria: Ambry Variant Classification Scheme 2023. Collection method: clinical testing. Allele origin: germline.

Labcorp Genetics (formerly Invitae), Labcorp
Classification: Uncertain significance. Last evaluated: 2022-10-13. Review status: criteria provided, single submitter. Criteria: Invitae Variant Classification Sherloc (09022015). Collection method: clinical testing. Allele origin: germline.
Comment: This sequence change replaces methionine, which is neutral and non-polar, with valine, which is neutral and non-polar, at codon 676 of the NCKAP1L protein (p.Met676Val). This variant is present in population databases (rs371508749, gnomAD 0.05%). This variant has not been reported in the literature in individuals affected with NCKAP1L-related conditions. Algorithms developed to predict the effect of missense changes on protein structure and function (SIFT, PolyPhen-2, Align-GVGD) all suggest that this variant is likely to be tolerated. In summary, the available evidence is currently insufficient to determine the role of this variant in disease. Therefore, it has been classified as a Variant of Uncertain Significance.